The following is an entry in ClinVar:

ClinVar aggregate classification (germline): Uncertain significance (1 of 4 stars; one submission).

Conditions:
Cardiovascular phenotype. Identifiers: MedGen CN230736.

Allele frequency attached by ClinVar (database versions not stated): gnomAD exomes below 0.00001; TOPMed below 0.00001.
gnomAD v4.1: 5 of 1,613,664 alleles (0.00031%); highest among the groups gnomAD compares: Non-Finnish European, 0.00042%; no homozygotes.

Submission:

Ambry Genetics
Classification: Uncertain significance for Cardiovascular phenotype. Last evaluated: 2019-06-19. Review status: criteria provided, single submitter. Criteria: Ambry Variant Classification Scheme 2023. Collection method: clinical testing. Allele origin: germline.
Comment: The p.Q2068R variant (also known as c.6203A>G), located in coding exon 8 of the ALMS1 gene, results from an A to G substitution at nucleotide position 6203. The glutamine at codon 2068 is replaced by arginine, an amino acid with highly similar properties. This amino acid position is well conserved in available vertebrate species. In addition, this alteration is predicted to be tolerated by in silico analysis. Since supporting evidence is limited at this time, the clinical significance of this alteration remains unclear.

NM_001378454.1(ALMS1):c.6200A>G (p.Gln2067Arg)

Gene: ALMS1 (ALMS1 centrosome and basal body associated protein; plus strand). Cytogenetic location: 2p13.1.
Variant type: single nucleotide variant.
Coding change: c.6200A>G on transcript NM_001378454.1 (MANE Select); coding-DNA position 6200, A replaced by G.
Protein change: p.Gln2067Arg; replaces glutamine 2067 with arginine.
Molecular consequence: missense variant.
Genome position (GRCh38, 1-based): chr2:73,452,727, A>G. VCF-style: chr2-73452727-A-G. GRCh37 (hg19) VCF-style: chr2-73679854-A-G.
Other names: c.6203A>G, p.Gln2068Arg (NM_015120.4); short protein forms Q2067R, Q2068R.
Identifiers: ClinVar variation 1752184 (VCV001752184.2), dbSNP rs1377317319, ClinGen allele CA347285267.